The following is an entry in ClinVar:

ClinVar aggregate classification (germline): Uncertain significance (1 of 4 stars; one submission).

Conditions:
Developmental delay, hypotonia, and impaired language (DEDHIL). Identifiers: MedGen C5774202, MONDO:0859280, OMIM 620012.

Submission:

OLLIN Analises Genomicas, OLLIN
Classification: Uncertain significance for Developmental delay, hypotonia, and impaired language. Last evaluated: 2026-08-06. Review status: criteria provided, single submitter. Criteria: ACMG Guidelines 2015 PMID 25741868. Collection method: clinical testing. Allele origin: germline. Inheritance: Autosomal dominant inheritance.
Comment: This missense variant, located in exon 4 (of 14), is absent from gnomAD and ClinVar and has not been identified in the literature. In silico analysis predicts that this variant has a tolerated effect. This gene is constrained for missense variation. According to the currently available evidence, this variant has been classified as uncertain significance (PM2_P, PP2, BP4_M).

NM_001349798.2(FBXW7):c.82G>C (p.Val28Leu)

Gene: FBXW7 (F-box and WD repeat domain containing 7; minus strand). Cytogenetic location: 4q31.3.
Variant type: single nucleotide variant.
Coding change: c.82G>C on transcript NM_001349798.2 (MANE Select); coding-DNA position 82, G replaced by C.
Protein change: p.Val28Leu; replaces valine 28 with leucine.
Molecular consequence: missense variant.
Genome position (GRCh38, 1-based): chr4:152,411,722, C>G on the plus strand (G>C on the coding strand, the complement: FBXW7 is on the minus strand). VCF-style: chr4-152411722-C-G. GRCh37 (hg19) VCF-style: chr4-153332874-C-G.
Other names: c.82G>C, p.Val28Leu (NM_001257069.1, NM_033632.3); short protein forms V28L.
Identifiers: ClinVar variation 5002859 (VCV005002859.1).
Genomic context (GRCh38, chr4:152,411,722, plus strand): 5'-GTTGTCTGAGTTGCTGTTGCTGTTCCTCCTCTACCACACGATTCATCTGTTCTTCATCTA[C>G]CTGGCTTGAGGAAGGGTTACCTCTCAGAGAGCCTCCAGTTCGTCGTCTTTTGCTGCCCAC-3'
Protein context (NP_001336727.1, residues 18-38): SLRGNPSSSQ[Val28Leu]DEEQMNRVVE